The following is an entry in ClinVar:

ClinVar aggregate classification (germline): Pathogenic (1 of 4 stars; one submission).

Conditions:
Primary ciliary dyskinesia. Also called: Ciliary dyskinesia. Identifiers: Orphanet 244, MedGen C0008780, MONDO:0016575, HP:0012265.

gnomAD v4.1: 2 of 1,614,144 alleles (0.00012%); highest among the groups gnomAD compares: Non-Finnish European, 0.00017%; no homozygotes.

Submission:

Labcorp Genetics (formerly Invitae), Labcorp
Classification: Pathogenic for Primary ciliary dyskinesia. Last evaluated: 2023-03-07. Review status: criteria provided, single submitter. Criteria: Invitae Variant Classification Sherloc (09022015). Collection method: clinical testing. Allele origin: germline.
Comment: For these reasons, this variant has been classified as Pathogenic. ClinVar contains an entry for this variant (Variation ID: 1072335). This variant has not been reported in the literature in individuals affected with DNAH5-related conditions. This variant is not present in population databases (gnomAD no frequency). This sequence change creates a premature translational stop signal (p.Cys256*) in the DNAH5 gene. It is expected to result in an absent or disrupted protein product. Loss-of-function variants in DNAH5 are known to be pathogenic (PMID: 11788826, 16627867).

Literature cited by the submitters: PubMed 11788826; PubMed 16627867.

NM_001369.3(DNAH5):c.768C>A (p.Cys256Ter)

Gene: DNAH5 (dynein axonemal heavy chain 5; minus strand). Cytogenetic location: 5p15.2.
Variant type: single nucleotide variant.
Coding change: c.768C>A on transcript NM_001369.3 (MANE Select); coding-DNA position 768, C replaced by A.
Protein change: p.Cys256Ter; replaces cysteine 256 with a stop codon.
Molecular consequence: nonsense.
Genome position (GRCh38, 1-based): chr5:13,920,510, G>T on the plus strand (C>A on the coding strand, the complement: DNAH5 is on the minus strand). VCF-style: chr5-13920510-G-T. GRCh37 (hg19) VCF-style: chr5-13920619-G-T.
Other names: short protein forms C256*.
Identifiers: ClinVar variation 1072335 (VCV001072335.7), dbSNP rs2151992604, ClinGen allele CA359220354.